The following is an entry in ClinVar:

NM_018896.5(CACNA1G):c.5603A>T (p.Glu1868Val)

Gene: CACNA1G (calcium voltage-gated channel subunit alpha1 G; plus strand). Cytogenetic location: 17q21.33.
Variant type: single nucleotide variant.
Coding change: c.5603A>T on transcript NM_018896.5 (MANE Select); coding-DNA position 5603, A replaced by T.
Protein change: p.Glu1868Val; replaces glutamic acid 1868 with valine.
Molecular consequence: missense variant. On other transcripts: non-coding transcript variant (5).
Genome position (GRCh38, 1-based): chr17:50,618,830, A>T. VCF-style: chr17-50618830-A-T. GRCh37 (hg19) VCF-style: chr17-48696191-A-T.
Other names: c.5480A>T, p.Glu1827Val (NM_198388.3); c.5501A>T, p.Glu1834Val (NM_198396.3, NM_001256329.2, NM_198376.3 and 2 more transcripts); c.5549A>T, p.Glu1850Val (NM_001256324.2, NM_198386.3); c.5624A>T, p.Glu1875Val (NM_001256325.2); c.5468A>T, p.Glu1823Val (NM_001256326.2, NM_001256330.2); c.5582A>T, p.Glu1861Val (NM_001256327.2); c.5528A>T, p.Glu1843Val (NM_001256328.2); c.5447A>T, p.Glu1816Val (NM_001256331.2); and 7 more; short protein forms E1811V, E1816V, E1823V, E1827V, E1830V, E1832V, E1834V, E1841V.
Identifiers: ClinVar variation 5039911 (VCV005039911.1).
Genomic context (GRCh38, chr17:50,618,830, plus strand): 5'-CCGTGCTGATGAAGCACCTGGAGGAGAGCAACAAGGAGGCCAAGGAGGAGGCCGAGCTAG[A>T]GGCTGAGCTGGAGCTGGAGATGAAGACCCTCAGCCCCCAGCCCCACTCGCCACTGGGCAG-3'
Protein context (NP_061496.2, residues 1858-1878): NKEAKEEAEL[Glu1868Val]AELELEMKTL

ClinVar aggregate classification (germline): Uncertain significance (1 of 4 stars; one submission).

Submission:

CeGaT Center for Human Genetics Tuebingen
Classification: Uncertain significance. Last evaluated: 2026-08-01. Review status: criteria provided, single submitter. Criteria: CeGaT Center For Human Genetics Tuebingen Variant Classification Criteria Version 2. Collection method: clinical testing. Allele origin: germline. Affected: yes. Observed: 1 variant allele.
Comment: CACNA1G: PM2, PP2, BP5